The following is an entry in ClinVar:

ClinVar aggregate classification (germline): Likely pathogenic (1 of 4 stars; one submission).

Conditions:
Cutis laxa with severe pulmonary, gastrointestinal and urinary anomalies. Also called: LTBP4-Related Cutis Laxa; URBAN-RIFKIN-DAVIS SYNDROME; Cutis laxa, autosomal recessive, type IC. Identifiers: Orphanet 221145, MedGen C2750804, MONDO:0013170, OMIM 613177. Disease mechanism: loss of function.

Submission:

Juno Genomics, Hangzhou Juno Genomics, Inc
Classification: Likely pathogenic for Cutis laxa with severe pulmonary, gastrointestinal and urinary anomalies. Review status: criteria provided, single submitter. Criteria: ACMG Guidelines, 2015. Collection method: clinical testing. Allele origin: germline.
Comment: Null variant in a gene where loss of function (LOF) is a known mechanism of disease.;Absent from controls (or at extremely low frequency if recessive) in Genome Aggregation Database.

NM_001042545.2(LTBP4):c.2967del (p.Ser990fs)

Gene: LTBP4 (latent transforming growth factor beta binding protein 4; plus strand). Cytogenetic location: 19q13.2.
Variant type: Deletion.
Coding change: c.2967del on transcript NM_001042545.2 (MANE Select); coding-DNA position 2967, one base deleted (G; older notation c.2967delG).
Protein change: p.Ser990fs; shifts the reading frame from serine 990.
Molecular consequence: frameshift variant.
Genome position (GRCh38, 1-based): chr19:40,617,122, G deleted; the last of 2 consecutive G bases (chr19:40,617,121-40,617,122); deleting either gives the same sequence. VCF-style (leftmost placement, unchanged base first): chr19-40617120-CG-C. GRCh37 (hg19) VCF-style: chr19-41123026-CG-C.
Other names: c.3168del, p.Ser1057fs (NM_001042544.1); c.3057del, p.Ser1020fs (NM_003573.2); short protein forms S1020fs, S1057fs, S990fs.
Identifiers: ClinVar variation 5005995 (VCV005005995.2).